The following is an entry in ClinVar:

ClinVar aggregate classification (germline): Conflicting classifications of pathogenicity. Review status: criteria provided, conflicting classifications (1 of 4 stars). 3 submissions from 3 submitters: Pathogenic (1); Likely pathogenic (1); Uncertain significance (1). Last evaluated 2025-12-21.

Conditions:
Hypertrophic cardiomyopathy 1 (CMH1). Also called: Familial hypertrophic cardiomyopathy 1; MYH7-Related Familial Hypertrophic Cardiomyopathy. Identifiers: MedGen C3495498, MONDO:0008647, OMIM 192600.
Hypertrophic cardiomyopathy. Also called: HYPERTROPHIC MYOCARDIOPATHY. Identifiers: Orphanet 217569, MedGen C0007194, MeSH D002312, MONDO:0005045, HP:0001639.

Submissions (3):

Labcorp Genetics (formerly Invitae), Labcorp
Classification: Uncertain significance for Hypertrophic cardiomyopathy. Last evaluated: 2025-12-21. Review status: criteria provided, single submitter. Criteria: Invitae Variant Classification Sherloc (09022015). Collection method: clinical testing. Allele origin: germline.
Comment: This sequence change replaces isoleucine, which is neutral and non-polar, with threonine, which is neutral and polar, at codon 467 of the MYH7 protein (p.Ile467Thr). This variant is not present in population databases (gnomAD no frequency). This missense change has been observed in individual(s) with hypertrophic cardiomyopathy (PMID: 21750094). ClinVar contains an entry for this variant (Variation ID: 181345). Invitae Evidence Modeling of protein sequence and biophysical properties (such as structural, functional, and spatial information, amino acid conservation, physicochemical variation, residue mobility, and thermodynamic stability) indicates that this missense variant is expected to disrupt MYH7 protein function with a positive predictive value of 95%. Experimental studies have shown that this missense change affects MYH7 function (PMID: 37461648). In summary, the available evidence is currently insufficient to determine the role of this variant in disease. Therefore, it has been classified as a Variant of Uncertain Significance.

GeneDx
Classification: Pathogenic. Last evaluated: 2025-03-28. Review status: criteria provided, single submitter. Criteria: GeneDx Variant Classification Process June 2021. Collection method: clinical testing. Allele origin: germline. Affected: yes.
Comment: Not observed at significant frequency in large population cohorts (gnomAD); In silico analysis supports that this missense variant has a deleterious effect on protein structure/function; Functional in vitro studies suggest that this variant alters motility of myosin (PMID: 37461648); This variant is associated with the following publications: (PMID: 21750094, 37461648, 27532257, 29300372)

Institute of Human Genetics Munich, TUM University Hospital
Classification: Likely pathogenic for Hypertrophic cardiomyopathy 1. Last evaluated: 2022-07-28. Review status: criteria provided, single submitter. Criteria: Classification criteria August 2017. Collection method: clinical testing. Allele origin: germline. Inheritance: Autosomal dominant inheritance. Affected: yes. Observed: 1 variant allele.

Literature cited by the submitters: PubMed 21750094 (cited by Labcorp Genetics (formerly Invitae), Labcorp); PubMed 37461648 (cited by Labcorp Genetics (formerly Invitae), Labcorp).

NM_000257.4(MYH7):c.1400T>C (p.Ile467Thr)

Gene: MYH7 (myosin heavy chain 7; minus strand). Cytogenetic location: 14q11.2.
Variant type: single nucleotide variant.
Coding change: c.1400T>C on transcript NM_000257.4 (MANE Select); coding-DNA position 1400, T replaced by C.
Protein change: p.Ile467Thr; replaces isoleucine 467 with threonine.
Molecular consequence: missense variant.
Genome position (GRCh38, 1-based): chr14:23,428,962, A>G on the plus strand (T>C on the coding strand, the complement: MYH7 is on the minus strand). VCF-style: chr14-23428962-A-G. GRCh37 (hg19) VCF-style: chr14-23898171-A-G.
Other names: p.I467T:ATC>ACC; c.1400T>C (LRG_384t1); short protein forms I467T.
Identifiers: ClinVar variation 181345 (VCV000181345.7), dbSNP rs730880872, ClinGen allele CA010686.